The following is an entry in ClinVar:

NM_004453.4(ETFDH):c.607-1G>T

Gene: ETFDH (electron transfer flavoprotein dehydrogenase; plus strand). Cytogenetic location: 4q32.1.
Variant type: single nucleotide variant.
Coding change: c.607-1G>T on transcript NM_004453.4 (MANE Select); the canonical splice acceptor site of the intron before coding-DNA position 607, G replaced by T.
Molecular consequence: splice acceptor variant.
Genome position (GRCh38, 1-based): chr4:158,690,347, G>T. VCF-style: chr4-158690347-G-T. GRCh37 (hg19) VCF-style: chr4-159611499-G-T.
Other names: c.607-1G>T (NM_004453.3); c.466-1G>T (NM_001281737.2); c.424-1G>T (NM_001281738.1).
Identifiers: ClinVar variation 1473741 (VCV001473741.11), dbSNP rs760251231, ClinGen allele CA358559894.
Genomic context (GRCh38, chr4:158,690,347, plus strand): 5'-TTTTTTTCAAGATTATTATGAATTCTAAGGTATTAATAAATTTGTTTTTTATCATTTTTA[G>T]GTCCTTTTTCATGATGATGGTAGTGTAAAAGGAATTGCCACTAACGATGTAGGGATACAA-3'

ClinVar aggregate classification (germline): Likely pathogenic. Review status: criteria provided, multiple submitters, no conflicts (2 of 4 stars). 3 submissions from 3 submitters: Likely pathogenic (3). Last evaluated 2025-02-20.

Conditions:
Glutaric acidemia type 2C.
Multiple acyl-CoA dehydrogenase deficiency (MADD). Also called: Glutaric aciduria, type 2; ETHYLMALONIC-ADIPICACIDURIA; GA II; Glutaric Acidemia type 2; Glutaric acidemia type II; GA 2. Identifiers: Orphanet 26791, MedGen C0268596, MONDO:0009282, OMIM 231680.

Submissions (3):

Natera, Inc.
Classification: Likely pathogenic for Glutaric acidemia type 2C. Last evaluated: 2025-02-20. Review status: criteria provided, single submitter. Criteria: Natera Variant Classification Schema (03/2026). Collection method: clinical testing. Allele origin: germline.
Comment: The c.607-1G>T variant in ETFDH is a canonical splice acceptor site variant predicted to affect pre-mRNA splicing, which may result in an abnormal transcript and altered protein product. This variant is expected to result in nonsense mediated decay, truncation, or a dysfunctional protein product. This variant is rare in the general population with a frequency below the threshold expected for the associated phenotype(s). Given the available evidence, this variant is classified as Likely Pathogenic.

Baylor Genetics
Classification: Likely pathogenic for Multiple acyl-CoA dehydrogenase deficiency. Last evaluated: 2024-02-06. Review status: criteria provided, single submitter. Criteria: ACMG Guidelines, 2015. Collection method: clinical testing. Allele origin: unknown.

Labcorp Genetics (formerly Invitae), Labcorp
Classification: Likely pathogenic for Multiple acyl-CoA dehydrogenase deficiency. Last evaluated: 2022-05-27. Review status: criteria provided, single submitter. Criteria: Invitae Variant Classification Sherloc (09022015). Collection method: clinical testing. Allele origin: germline.
Comment: This variant has not been reported in the literature in individuals affected with ETFDH-related conditions. This variant is not present in population databases (gnomAD no frequency). This sequence change affects an acceptor splice site in intron 5 of the ETFDH gene. It is expected to disrupt RNA splicing. Variants that disrupt the donor or acceptor splice site typically lead to a loss of protein function (PMID: 16199547), and loss-of-function variants in ETFDH are known to be pathogenic (PMID: 16510302, 23785301). Algorithms developed to predict the effect of sequence changes on RNA splicing suggest that this variant may disrupt the consensus splice site. In summary, the currently available evidence indicates that the variant is pathogenic, but additional data are needed to prove that conclusively. Therefore, this variant has been classified as Likely Pathogenic.

Literature cited by the submitters: PubMed 16199547 (cited by Labcorp Genetics (formerly Invitae), Labcorp); PubMed 16510302 (cited by Labcorp Genetics (formerly Invitae), Labcorp); PubMed 23785301 (cited by Labcorp Genetics (formerly Invitae), Labcorp).